The following is an entry in ClinVar:

NM_152564.5(VPS13B):c.1369C>G (p.Leu457Val)

Gene: VPS13B (vacuolar protein sorting 13 homolog B; plus strand). Cytogenetic location: 8q22.2.
Variant type: single nucleotide variant.
Coding change: c.1369C>G on transcript NM_152564.5 (MANE Select); coding-DNA position 1369, C replaced by G.
Protein change: p.Leu457Val; replaces leucine 457 with valine.
Molecular consequence: missense variant.
Genome position (GRCh38, 1-based): chr8:99,135,081, C>G. VCF-style: chr8-99135081-C-G. GRCh37 (hg19) VCF-style: chr8-100147309-C-G.
Other names: c.1369C>G, p.Leu457Val (NM_015243.3, NM_017890.5); short protein forms L457V.
Identifiers: ClinVar variation 4807710 (VCV004807710.1).

ClinVar aggregate classification (germline): Uncertain significance (1 of 4 stars; one submission).

Conditions:
Cohen syndrome (COH1). Also called: Cutis verticis gyrata, retinitis pigmentosa, and sensorineural deafness; PEPPER SYNDROME. Identifiers: Orphanet 193, MedGen C0265223, MONDO:0008999, OMIM 216550.

gnomAD v4.1: 4 of 1,613,448 alleles (0.00025%); highest among the groups gnomAD compares: Non-Finnish European, 0.00034%; no homozygotes.

Submission:

Labcorp Genetics (formerly Invitae), Labcorp
Classification: Uncertain significance for Cohen syndrome. Last evaluated: 2025-08-20. Review status: criteria provided, single submitter. Criteria: Invitae Variant Classification Sherloc (09022015). Collection method: clinical testing. Allele origin: germline.
Comment: This sequence change replaces leucine, which is neutral and non-polar, with valine, which is neutral and non-polar, at codon 457 of the VPS13B protein (p.Leu457Val). This variant is not present in population databases (gnomAD no frequency). This variant has not been reported in the literature in individuals affected with VPS13B-related conditions. Invitae Evidence Modeling of protein sequence and biophysical properties (such as structural, functional, and spatial information, amino acid conservation, physicochemical variation, residue mobility, and thermodynamic stability) indicates that this missense variant is expected to disrupt VPS13B protein function with a positive predictive value of 80%. In summary, the available evidence is currently insufficient to determine the role of this variant in disease. Therefore, it has been classified as a Variant of Uncertain Significance.